The following is an entry in ClinVar:

ClinVar aggregate classification (germline): Uncertain significance (1 of 4 stars; one submission).

Allele frequency attached by ClinVar (database versions not stated): gnomAD 0.00001; TOPMed 0.00001; ExAC 0.00002; gnomAD exomes 0.00002 and 0.00003.
gnomAD v4.1: 27 of 1,613,882 alleles (0.0017%); highest among the groups gnomAD compares: Non-Finnish European, 0.0022%; no homozygotes.

Submission:

Center for Pediatric Genomic Medicine, Children's Mercy Hospital and Clinics
Classification: Uncertain significance. Last evaluated: 2016-11-18. Review status: criteria provided, single submitter. Criteria: ACMG Guidelines, 2015. Collection method: clinical testing. Allele origin: germline.
ClinVar note: Converted during submission from Uncertain Significance to Uncertain significance.

NM_021074.5(NDUFV2):c.626A>G (p.Lys209Arg)

Genes: NDUFV2 (NADH:ubiquinone oxidoreductase core subunit V2; plus strand), NDUFV2-AS1 (NDUFV2 antisense RNA 1; minus strand). Cytogenetic location: 18p11.22.
Variant type: single nucleotide variant.
Coding change: c.626A>G on transcript NM_021074.5 (MANE Select); coding-DNA position 626, A replaced by G.
Protein change: p.Lys209Arg; replaces lysine 209 with arginine.
Molecular consequence: missense variant.
Genome position (GRCh38, 1-based): chr18:9,126,877, A>G. VCF-style: chr18-9126877-A-G. GRCh37 (hg19) VCF-style: chr18-9126875-A-G.
Other names: short protein forms K209R.
Identifiers: ClinVar variation 376963 (VCV000376963.3), dbSNP rs775174756, ClinGen allele CA8887282.